The following is an entry in ClinVar:

NM_004984.4(KIF5A):c.1741G>A (p.Glu581Lys)

Gene: KIF5A (kinesin family member 5A; plus strand). Cytogenetic location: 12q13.3.
Variant type: single nucleotide variant.
Coding change: c.1741G>A on transcript NM_004984.4 (MANE Select); coding-DNA position 1741, G replaced by A.
Protein change: p.Glu581Lys; replaces glutamic acid 581 with lysine.
Molecular consequence: missense variant.
Genome position (GRCh38, 1-based): chr12:57,575,108, G>A. VCF-style: chr12-57575108-G-A. GRCh37 (hg19) VCF-style: chr12-57968891-G-A.
Other names: c.1474G>A, p.Glu492Lys (NM_001354705.2); short protein forms E492K, E581K.
Identifiers: ClinVar variation 4807667 (VCV004807667.1).

ClinVar aggregate classification (germline): Uncertain significance (1 of 4 stars; one submission).

Conditions:
Spastic paraplegia. Identifiers: MedGen C0037772, HP:0001258.

gnomAD v4.1: 2 of 1,614,020 alleles (0.00012%); highest among the groups gnomAD compares: Non-Finnish European, 0.00017%; no homozygotes.

Submission:

Labcorp Genetics (formerly Invitae), Labcorp
Classification: Uncertain significance for Spastic paraplegia. Last evaluated: 2025-12-30. Review status: criteria provided, single submitter. Criteria: Invitae Variant Classification Sherloc (09022015). Collection method: clinical testing. Allele origin: germline.
Comment: This sequence change replaces glutamic acid, which is acidic and polar, with lysine, which is basic and polar, at codon 581 of the KIF5A protein (p.Glu581Lys). This variant is not present in population databases (gnomAD no frequency). This variant has not been reported in the literature in individuals affected with KIF5A-related conditions. Invitae Evidence Modeling of protein sequence and biophysical properties (such as structural, functional, and spatial information, amino acid conservation, physicochemical variation, residue mobility, and thermodynamic stability) has been performed for this missense variant. However, the output from this modeling did not meet the statistical confidence thresholds required to predict the impact of this variant on KIF5A protein function. In summary, the available evidence is currently insufficient to determine the role of this variant in disease. Therefore, it has been classified as a Variant of Uncertain Significance.